The following is an entry in ClinVar:

ClinVar aggregate classification (germline): Uncertain significance (1 of 4 stars; one submission).

Submission:

Labcorp Genetics (formerly Invitae), Labcorp
Classification: Uncertain significance. Last evaluated: 2024-05-22. Review status: criteria provided, single submitter. Criteria: Invitae Variant Classification Sherloc (09022015). Collection method: clinical testing. Allele origin: germline.
Comment: This sequence change replaces proline, which is neutral and non-polar, with leucine, which is neutral and non-polar, at codon 59 of the SLCO5A1 protein (p.Pro59Leu). This variant is present in population databases (rs774962022, gnomAD 0.007%). This variant has not been reported in the literature in individuals affected with SLCO5A1-related conditions. Algorithms developed to predict the effect of missense changes on protein structure and function output the following: SIFT: "Not Available"; PolyPhen-2: "Benign"; Align-GVGD: "Not Available". The leucine amino acid residue is found in multiple mammalian species, which suggests that this missense change does not adversely affect protein function. In summary, the available evidence is currently insufficient to determine the role of this variant in disease. Therefore, it has been classified as a Variant of Uncertain Significance.

NM_030958.3(SLCO5A1):c.176C>T (p.Pro59Leu)

Gene: SLCO5A1 (solute carrier organic anion transporter family member 5A1; minus strand). Cytogenetic location: 8q13.3.
Variant type: single nucleotide variant.
Coding change: c.176C>T on transcript NM_030958.3 (MANE Select); coding-DNA position 176, C replaced by T.
Protein change: p.Pro59Leu; replaces proline 59 with leucine.
Molecular consequence: missense variant.
Genome position (GRCh38, 1-based): chr8:69,832,498, G>A on the plus strand (C>T on the coding strand, the complement: SLCO5A1 is on the minus strand). VCF-style: chr8-69832498-G-A. GRCh37 (hg19) VCF-style: chr8-70744733-G-A.
Other names: c.176C>T, p.Pro59Leu (NM_001146008.2, NM_001146009.1); short protein forms P59L.
Identifiers: ClinVar variation 3682781 (VCV003682781.2).